The following is an entry in ClinVar:

ClinVar aggregate classification (germline): Uncertain significance (1 of 4 stars; one submission).

gnomAD v4.1: 15 of 1,561,150 alleles (0.00096%); highest among the groups gnomAD compares: South Asian, 0.0023%; no homozygotes.

Submission:

Labcorp Genetics (formerly Invitae), Labcorp
Classification: Uncertain significance. Last evaluated: 2025-11-24. Review status: criteria provided, single submitter. Criteria: Invitae Variant Classification Sherloc (09022015). Collection method: clinical testing. Allele origin: germline.
Comment: This sequence change replaces glycine, which is neutral and non-polar, with aspartic acid, which is acidic and polar, at codon 29 of the COQ2 protein (p.Gly29Asp). The frequency data for this variant in the population databases is considered unreliable, as metrics indicate poor data quality at this position in the gnomAD database. This variant has not been reported in the literature in individuals affected with COQ2-related conditions. An algorithm developed to predict the effect of missense changes on protein structure and function outputs the following: PolyPhen-2: "Probably Damaging". The aspartic acid amino acid residue is found in multiple mammalian species, which suggests that this missense change does not adversely affect protein function. In summary, the available evidence is currently insufficient to determine the role of this variant in disease. Therefore, it has been classified as a Variant of Uncertain Significance.

NC_000004.12:g.83284829C>T

Genes: COQ2 (coenzyme Q2, polyprenyltransferase; minus strand), LOC112997540 (Sharpr-MPRA regulatory region 13773; plus strand). Cytogenetic location: 4q21.23.
Variant type: single nucleotide variant.
Molecular consequence: missense variant (on NM_015697.9).
Genome position: GRCh38 VCF-style: chr4-83284829-C-T. GRCh37 (hg19) VCF-style: chr4-84205982-C-T.
Other names: c.86G>A, p.Gly29Asp (NM_015697.9); short protein forms G29D.
Identifiers: ClinVar variation 4703564 (VCV004703564.1).